The following is an entry in ClinVar:

NM_006017.3(PROM1):c.1204A>C (p.Ile402Leu)

Gene: PROM1 (prominin 1; minus strand). Cytogenetic location: 4p15.32.
Variant type: single nucleotide variant.
Coding change: c.1204A>C on transcript NM_006017.3 (MANE Select); coding-DNA position 1204, A replaced by C.
Protein change: p.Ile402Leu; replaces isoleucine 402 with leucine.
Molecular consequence: missense variant.
Genome position (GRCh38, 1-based): chr4:16,009,046, T>G on the plus strand (A>C on the coding strand, the complement: PROM1 is on the minus strand). VCF-style: chr4-16009046-T-G. GRCh37 (hg19) VCF-style: chr4-16010669-T-G.
Other names: c.1177A>C, p.Ile393Leu (NM_001145847.2, NM_001145848.2, NM_001145851.2 and 4 more transcripts); c.1204A>C, p.Ile402Leu (NM_001145849.2, NM_001145850.2); short protein forms I402L, I393L.
Identifiers: ClinVar variation 1515969 (VCV001515969.6), dbSNP rs1726218291, ClinGen allele CA356436950.
Genomic context (GRCh38, chr4:16,009,046, plus strand): 5'-TGTGGATGTAACTTTCAGTGTTATTAACATAAACAGAGAATGCTGAGAGTATATCCTGAA[T>G]AGGAAGACGCTGAGTTACATTGTCGATATCTGAACCAATGGAATTCAAGACCCTTTTGAT-3'
Protein context (NP_006008.1, residues 392-412): DIDNVTQRLP[Ile402Leu]QDILSAFSVY

ClinVar aggregate classification (germline): Uncertain significance (1 of 4 stars; one submission).

gnomAD v4.1: 1 of 1,608,110 alleles (0.000062%); highest among the groups gnomAD compares: Admixed American, 0.0017%; no homozygotes.

Submission:

Labcorp Genetics (formerly Invitae), Labcorp
Classification: Uncertain significance. Last evaluated: 2024-10-22. Review status: criteria provided, single submitter. Criteria: Invitae Variant Classification Sherloc (09022015). Collection method: clinical testing. Allele origin: germline.
Comment: This sequence change replaces isoleucine, which is neutral and non-polar, with leucine, which is neutral and non-polar, at codon 402 of the PROM1 protein (p.Ile402Leu). This variant is not present in population databases (gnomAD no frequency). This variant has not been reported in the literature in individuals affected with PROM1-related conditions. ClinVar contains an entry for this variant (Variation ID: 1515969). Invitae Evidence Modeling of protein sequence and biophysical properties (such as structural, functional, and spatial information, amino acid conservation, physicochemical variation, residue mobility, and thermodynamic stability) indicates that this missense variant is not expected to disrupt PROM1 protein function with a negative predictive value of 80%. In summary, the available evidence is currently insufficient to determine the role of this variant in disease. Therefore, it has been classified as a Variant of Uncertain Significance.